The following is an entry in ClinVar:

ClinVar aggregate classification (germline): Uncertain significance (1 of 4 stars; one submission).

Conditions:
Capillary malformation-arteriovenous malformation syndrome. Also called: Capillary malformation-arteriovenous malformation. Identifiers: Orphanet 137667, MedGen C1842180, MONDO:0012016.

gnomAD v4.1: 5 of 1,605,740 alleles (0.00031%); highest among the groups gnomAD compares: Non-Finnish European, 0.00034%; no homozygotes.

Submission:

Labcorp Genetics (formerly Invitae), Labcorp
Classification: Uncertain significance for Capillary malformation-arteriovenous malformation syndrome. Last evaluated: 2025-11-27. Review status: criteria provided, single submitter. Criteria: Invitae Variant Classification Sherloc (09022015). Collection method: clinical testing. Allele origin: germline.
Comment: This sequence change replaces tyrosine, which is neutral and polar, with serine, which is neutral and polar, at codon 480 of the RASA1 protein (p.Tyr480Ser). This variant is present in population databases (rs781122884, gnomAD 0.004%). This variant has not been reported in the literature in individuals affected with RASA1-related conditions. ClinVar contains an entry for this variant (Variation ID: 3713383). An algorithm developed to predict the effect of missense changes on protein structure and function (PolyPhen-2) suggests that this variant is likely to be disruptive. In summary, the available evidence is currently insufficient to determine the role of this variant in disease. Therefore, it has been classified as a Variant of Uncertain Significance.

NM_002890.3(RASA1):c.1439A>C (p.Tyr480Ser)

Genes: CCNH (cyclin H; minus strand), RASA1 (RAS p21 protein activator 1; plus strand). Cytogenetic location: 5q14.3.
Variant type: single nucleotide variant.
Coding change: c.1439A>C on transcript NM_002890.3 (MANE Select); coding-DNA position 1439, A replaced by C.
Protein change: p.Tyr480Ser; replaces tyrosine 480 with serine.
Molecular consequence: missense variant. On other transcripts: intron variant (1).
Genome position (GRCh38, 1-based): chr5:87,362,657, A>C. VCF-style: chr5-87362657-A-C. GRCh37 (hg19) VCF-style: chr5-86658474-A-C.
Other names: c.908A>C, p.Tyr303Ser (NM_022650.3); c.933+32387T>G (NM_001364075.2); short protein forms Y480S, Y303S.
Identifiers: ClinVar variation 3713383 (VCV003713383.2).
Genomic context (GRCh38, chr5:87,362,657, plus strand): 5'-ATAATACCATCCGTCGTAAAACAAAGGATGCCTTTTATAAAAACATTGTTAAGAAAGGTT[A>C]TCTTCTGAAAAAGGGTAAGTTCAGACTTTTATCATTAACCCATTTGATAGAGACGTTGTA-3'
Protein context (NP_002881.1, residues 470-490): AFYKNIVKKG[Tyr480Ser]LLKKGKGKRW